The following is an entry in ClinVar:

NM_000137.4(FAH):c.96dup (p.Gly33fs)

Gene: FAH (fumarylacetoacetate hydrolase; plus strand). Cytogenetic location: 15q25.1.
Variant type: Duplication.
Coding change: c.96dup on transcript NM_000137.4 (MANE Select); coding-DNA position 96, one base duplicated (A; older notation c.96dupA).
Protein change: p.Gly33fs; shifts the reading frame from glycine 33.
Molecular consequence: frameshift variant.
Genome position (GRCh38, 1-based): chr15:80,158,074, A duplicated. VCF-style (leftmost placement, unchanged base first): chr15-80158073-T-TA. GRCh37 (hg19) VCF-style: chr15-80450415-T-TA.
Other names: c.96dup, p.Gly33fs (NM_001374377.1, NM_001374380.1); short protein forms G33fs.
Identifiers: ClinVar variation 1073240 (VCV001073240.8), dbSNP rs2142090708, ClinGen allele CA2499223109.

ClinVar aggregate classification (germline): Pathogenic. Review status: criteria provided, multiple submitters, no conflicts (2 of 4 stars). 2 submissions from 2 submitters: Pathogenic (2). Last evaluated 2020-09-04.

Conditions:
Tyrosinemia type I (TYRSN1). Also called: HEPATORENAL TYROSINEMIA; Tyrosinemia type 1; Fumarylacetoacetase deficiency; Deficiency of fumarylacetoacetase; FAH DEFICIENCY. Identifiers: Orphanet 882, MedGen C0268490, MONDO:0010161, OMIM 276700. Disease mechanism: loss of function.

Submissions (2):

Illumina Laboratory Services, Illumina
Classification: Pathogenic for Tyrosinemia type I. Last evaluated: 2020-09-04. Review status: criteria provided, single submitter. Criteria: ICSLVariantClassificationCriteria RUGD 01 April 2020. Collection method: clinical testing. Allele origin: unknown.
Comment: The FAH c.96dupA p.(Gly33ArgfsTer67) variant causes a shift in the protein reading frame that is predicted to result in premature termination of the protein. Loss of normal protein function through either protein truncation or nonsense-mediated mRNA decay is expected. To our knowledge, this variant has not been reported in the peer-reviewed literature. This variant is not observed in version 2.1.1 of the Genome Aggregation Database. Based on the available evidence, the c.96dupA p.(Gly33ArgfsTer67) variant is classified as pathogenic for tyrosinemia, type I.

Labcorp Genetics (formerly Invitae), Labcorp
Classification: Pathogenic for Tyrosinemia type I. Last evaluated: 2020-01-10. Review status: criteria provided, single submitter. Criteria: Invitae Variant Classification Sherloc (09022015). Collection method: clinical testing. Allele origin: germline.
Comment: For these reasons, this variant has been classified as Pathogenic. Loss-of-function variants in FAH are known to be pathogenic (PMID: 9101289, 9633815). This variant has not been reported in the literature in individuals with FAH-related conditions. This variant is not present in population databases (ExAC no frequency). This sequence change creates a premature translational stop signal (p.Gly33Argfs*67) in the FAH gene. It is expected to result in an absent or disrupted protein product.

Literature cited by the submitters: PubMed 9101289 (cited by Labcorp Genetics (formerly Invitae), Labcorp); PubMed 9633815 (cited by Labcorp Genetics (formerly Invitae), Labcorp).